The following is an entry in ClinVar:

ClinVar aggregate classification (germline): Uncertain significance (1 of 4 stars; one submission).

Conditions:
Paget disease of bone 2, early-onset (PDB2). Also called: Paget disease of bone 2. Identifiers: MedGen C4085251, MONDO:0011183, OMIM 602080.
Frontotemporal dementia and/or amyotrophic lateral sclerosis 1 (FTDALS1). Also called: C9orf72 Frontotemporal Dementia and/or Amyotrophic Lateral Sclerosis; Frontotemporal dementia with motor neuron disease 1. Identifiers: Orphanet 275872, MedGen C5779877, MONDO:0007105, OMIM 105550.

Allele frequency attached by ClinVar (database versions not stated): gnomAD exomes below 0.00001; TOPMed below 0.00001.
gnomAD v4.1: 3 of 1,614,198 alleles (0.00019%); highest among the groups gnomAD compares: Non-Finnish European, 0.00025%; no homozygotes.

Submission:

Labcorp Genetics (formerly Invitae), Labcorp
Classification: Uncertain significance for Paget disease of bone 2, early-onset; Frontotemporal dementia and/or amyotrophic lateral sclerosis 1. Last evaluated: 2023-03-18. Review status: criteria provided, single submitter. Criteria: Invitae Variant Classification Sherloc (09022015). Collection method: clinical testing. Allele origin: germline.
Comment: In summary, the available evidence is currently insufficient to determine the role of this variant in disease. Therefore, it has been classified as a Variant of Uncertain Significance. This sequence change replaces glycine, which is neutral and non-polar, with glutamic acid, which is acidic and polar, at codon 262 of the SQSTM1 protein (p.Gly262Glu). This variant is not present in population databases (gnomAD no frequency). This variant has not been reported in the literature in individuals affected with SQSTM1-related conditions. ClinVar contains an entry for this variant (Variation ID: 2163690). Advanced modeling of protein sequence and biophysical properties (such as structural, functional, and spatial information, amino acid conservation, physicochemical variation, residue mobility, and thermodynamic stability) performed at Invitae indicates that this missense variant is not expected to disrupt SQSTM1 protein function.

NM_003900.5(SQSTM1):c.785G>A (p.Gly262Glu)

Gene: SQSTM1 (sequestosome 1; plus strand). Cytogenetic location: 5q35.3.
Variant type: single nucleotide variant.
Coding change: c.785G>A on transcript NM_003900.5 (MANE Select); coding-DNA position 785, G replaced by A.
Protein change: p.Gly262Glu; replaces glycine 262 with glutamic acid.
Molecular consequence: missense variant.
Genome position (GRCh38, 1-based): chr5:179,833,062, G>A. VCF-style: chr5-179833062-G-A. GRCh37 (hg19) VCF-style: chr5-179260062-G-A.
Other names: c.533G>A, p.Gly178Glu (NM_001142298.2, NM_001142299.2); short protein forms G178E, G262E.
Identifiers: ClinVar variation 2163690 (VCV002163690.4), dbSNP rs1758313498, ClinGen allele CA362450919.